The following is an entry in ClinVar:

ClinVar aggregate classification (germline): Likely benign (0 of 4 stars; one submission).

Conditions:
SEMA3B-related disorder. Also called: SEMA3B-related condition.

gnomAD v4.1: 21 of 1,579,900 alleles (0.0013%); highest among the groups gnomAD compares: Non-Finnish European, 0.0017%; no homozygotes.

Submission:

PreventionGenetics, part of Exact Sciences
Classification: Likely benign for SEMA3B-related condition. Last evaluated: 2023-04-07. Review status: no assertion criteria provided. Collection method: clinical testing. Allele origin: germline.
Comment: This variant is classified as likely benign based on ACMG/AMP sequence variant interpretation guidelines (Richards et al. 2015 PMID: 25741868, with internal and published modifications).

NM_001290060.2(SEMA3B):c.1491+7G>A

Gene: SEMA3B (semaphorin 3B; plus strand). Cytogenetic location: 3p21.31.
Variant type: single nucleotide variant.
Coding change: c.1491+7G>A on transcript NM_001290060.2 (MANE Select); 7 bases into the intron after coding-DNA position 1491, G replaced by A.
Molecular consequence: intron variant.
Genome position (GRCh38, 1-based): chr3:50,275,060, G>A. VCF-style: chr3-50275060-G-A. GRCh37 (hg19) VCF-style: chr3-50312491-G-A.
Other names: c.1491+7G>A (NM_004636.4); c.1488+7G>A (NM_001005914.3); c.1506+7G>A (NM_001290061.1); c.462+7G>A (NM_001290062.2, NM_001290063.2).
Identifiers: ClinVar variation 3356527 (VCV003356527.1).
Genomic context (GRCh38, chr3:50,275,060, plus strand): 5'-CCTCCCTCTCAGGACTCGGCCGCTGTCACCAGCATGCAAATTTCTTCCAAGAGGGTGAGT[G>A]ACCAGGATGGGGGTCGGGGTGGGATGGACTGAGCTTGTGCCTGGCGCGTCCCAAGCCTCT-3'